The following is an entry in ClinVar:

NM_004329.3(BMPR1A):c.1167-7_1167-4del

Gene: BMPR1A (bone morphogenetic protein receptor type 1A; plus strand). Cytogenetic location: 10q23.2.
Variant type: Deletion.
Coding change: c.1167-7_1167-4del on transcript NM_004329.3 (MANE Select); 7 bases into the intron before coding-DNA position 1167 through 4 bases into the intron before coding-DNA position 1167, 4 bases deleted (GTTT; older notation c.1167-7_1167-4delGTTT).
Molecular consequence: intron variant.
Genome position (GRCh38, 1-based): chr10:86,921,513-86,921,516, GTTT deleted; deleting any 4 consecutive bases within chr10:86,921,510-86,921,516 gives the same sequence; the c. name uses the placement nearest the transcript's 3' end. VCF-style (leftmost placement, unchanged base first): chr10-86921509-TTTTG-T. GRCh37 (hg19) VCF-style: chr10-88681266-TTTTG-T.
Identifiers: ClinVar variation 1738388 (VCV001738388.3), dbSNP rs2539635187, ClinGen allele CA2580082127.

ClinVar aggregate classification (germline): Uncertain significance (1 of 4 stars; one submission).

Conditions:
Hereditary cancer-predisposing syndrome. Also called: Tumor predisposition; Hereditary Cancer Syndrome; Hereditary neoplastic syndrome; Neoplastic Syndromes, Hereditary. Identifiers: Orphanet 140162, MedGen C0027672, MeSH D009386, MONDO:0015356.

Submission:

Ambry Genetics
Classification: Uncertain significance for Hereditary cancer-predisposing syndrome. Last evaluated: 2026-02-17. Review status: criteria provided, single submitter. Criteria: Ambry Variant Classification Scheme 2023. Collection method: clinical testing. Allele origin: germline.
Comment: The c.1167-7_1167-4delGTTT intronic variant, located in intron 8 of the BMPR1A gene, results from a deletion of 4 nucleotides within intron 8 of the BMPR1A gene. This nucleotide region is not well conserved in available vertebrate species. In silico splice site analysis predicts that this alteration will not have any significant effect on splicing. Based on the available evidence, the clinical significance of this variant remains unclear.